The following is an entry in ClinVar:

NM_002471.4(MYH6):c.736-6C>A

Gene: MYH6 (myosin heavy chain 6; minus strand). Cytogenetic location: 14q11.2.
Variant type: single nucleotide variant.
Coding change: c.736-6C>A on transcript NM_002471.4 (MANE Select); 6 bases into the intron before coding-DNA position 736, C replaced by A.
Molecular consequence: intron variant.
Genome position (GRCh38, 1-based): chr14:23,403,784, G>T on the plus strand (C>A on the coding strand, the complement: MYH6 is on the minus strand). VCF-style: chr14-23403784-G-T. GRCh37 (hg19) VCF-style: chr14-23872993-G-T.
Identifiers: ClinVar variation 959172 (VCV000959172.9), dbSNP rs1891687633, ClinGen allele CA1139663363.

ClinVar aggregate classification (germline): Uncertain significance (1 of 4 stars; one submission).

Conditions:
Hypertrophic cardiomyopathy 14. Identifiers: MedGen C2750467, MONDO:0013197, OMIM 613251.

Submission:

Labcorp Genetics (formerly Invitae), Labcorp
Classification: Uncertain significance for Hypertrophic cardiomyopathy 14. Last evaluated: 2019-08-02. Review status: criteria provided, single submitter. Criteria: Invitae Variant Classification Sherloc (09022015). Collection method: clinical testing. Allele origin: germline.
Comment: In summary, the available evidence is currently insufficient to determine the role of this variant in disease. Therefore, it has been classified as a Variant of Uncertain Significance. Algorithms developed to predict the effect of sequence changes on RNA splicing suggest that this variant may disrupt the consensus splice site, but this prediction has not been confirmed by published transcriptional studies. This variant has not been reported in the literature in individuals with MYH6-related conditions. This variant is not present in population databases (ExAC no frequency). This sequence change falls in intron 8 of the MYH6 gene. It does not directly change the encoded amino acid sequence of the MYH6 protein.